The following is an entry in ClinVar:

ClinVar aggregate classification (germline): Pathogenic (1 of 4 stars; one submission).

Conditions:
Desmin-related myofibrillar myopathy (MFM1). Also called: Desminopathy; Desmin related myopathy (former name); Desmin storage myopathy (former name); Myofibrillar myopathy 1; MYOFIBRILLAR MYOPATHY WITH ARRHYTHMOGENIC RIGHT VENTRICULAR CARDIOMYOPATHY; DESMIN-RELATED MYOPATHY WITH ARRHYTHMOGENIC RIGHT VENTRICULAR CARDIOMYOPATHY. Identifiers: Orphanet 363543, Orphanet 98909, MedGen C1832370, MONDO:0011076, OMIM 601419.

Submission:

Labcorp Genetics (formerly Invitae), Labcorp
Classification: Pathogenic for Desmin-related myofibrillar myopathy. Last evaluated: 2025-10-25. Review status: criteria provided, single submitter. Criteria: Invitae Variant Classification Sherloc (09022015). Collection method: clinical testing. Allele origin: germline.
Comment: This sequence change creates a premature translational stop signal (p.Ser68Valfs*50) in the DES gene. It is expected to result in an absent or disrupted protein product. Loss-of-function variants in DES are known to be pathogenic (PMID: 23575897). This variant is not present in population databases (gnomAD no frequency). This variant has not been reported in the literature in individuals affected with DES-related conditions. For these reasons, this variant has been classified as Pathogenic.

Literature cited by the submitters: PubMed 23575897.

NM_001927.4(DES):c.197dup (p.Ser68fs)

Gene: DES (desmin; plus strand). Cytogenetic location: 2q35.
Variant type: Duplication.
Coding change: c.197dup on transcript NM_001927.4 (MANE Select); coding-DNA position 197, one base duplicated (T; older notation c.197dupT).
Protein change: p.Ser68fs; shifts the reading frame from serine 68.
Molecular consequence: frameshift variant.
Genome position (GRCh38, 1-based): chr2:219,418,659, T duplicated. VCF-style (leftmost placement, unchanged base first): chr2-219418658-C-CT. GRCh37 (hg19) VCF-style: chr2-220283380-C-CT.
Other names: c.197dup, p.Ser68fs (NM_001382708.1, NM_001382709.1, NM_001382710.1 and 3 more transcripts); short protein forms S68fs.
Identifiers: ClinVar variation 4790052 (VCV004790052.1).